The following is an entry in ClinVar:

NM_001039660.2(IL18BP):c.419C>T (p.Thr140Ile)

Gene: IL18BP (interleukin 18 binding protein; plus strand). Cytogenetic location: 11q13.4.
Variant type: single nucleotide variant.
Coding change: c.419C>T on transcript NM_001039660.2 (MANE Select); coding-DNA position 419, C replaced by T.
Protein change: p.Thr140Ile; replaces threonine 140 with isoleucine.
Molecular consequence: missense variant. On other transcripts: intron variant (2).
Genome position (GRCh38, 1-based): chr11:72,001,464, C>T. VCF-style: chr11-72001464-C-T. GRCh37 (hg19) VCF-style: chr11-71712510-C-T.
Other names: c.419C>T, p.Thr140Ile (NM_001039659.2, NM_001145057.1, NM_005699.3 and 1 more transcripts); c.379+40C>T (NM_173044.3); c.236-320C>T (NM_001145055.1); short protein forms T140I.
Identifiers: ClinVar variation 4781985 (VCV004781985.1).
Genomic context (GRCh38, chr11:72,001,464, plus strand): 5'-GCCGGGAACGTGGGAGCACAGGTACGCAGCTGTGCAAGGCCTTGGTGCTGGAGCAGCTGA[C>T]CCCTGCCCTGCACAGCACCAACTTCTCCTGTGTGCTCGTGGACCCTGAACAGGTTGTCCA-3'
Protein context (NP_001034749.1, residues 130-150): LCKALVLEQL[Thr140Ile]PALHSTNFSC

ClinVar aggregate classification (germline): Uncertain significance (1 of 4 stars; one submission).

Submission:

Labcorp Genetics (formerly Invitae), Labcorp
Classification: Uncertain significance. Last evaluated: 2025-07-20. Review status: criteria provided, single submitter. Criteria: Invitae Variant Classification Sherloc (09022015). Collection method: clinical testing. Allele origin: germline.
Comment: This sequence change replaces threonine, which is neutral and polar, with isoleucine, which is neutral and non-polar, at codon 140 of the IL18BP protein (p.Thr140Ile). This variant is present in population databases (rs563945649, gnomAD 0.003%). This variant has not been reported in the literature in individuals affected with IL18BP-related conditions. An algorithm developed to predict the effect of missense changes on protein structure and function (PolyPhen-2) suggests that this variant is likely to be disruptive. In summary, the available evidence is currently insufficient to determine the role of this variant in disease. Therefore, it has been classified as a Variant of Uncertain Significance.